The following is an entry in ClinVar:

ClinVar aggregate classification (germline): Uncertain significance. Review status: criteria provided, multiple submitters, no conflicts (2 of 4 stars). 2 submissions from 2 submitters: Uncertain significance (2). Last evaluated 2022-10-31.

Conditions:
Inborn genetic diseases. Identifiers: MedGen C0950123, MeSH D030342.

Allele frequency attached by ClinVar (database versions not stated): TOPMed below 0.00001.

Submissions (2):

Labcorp Genetics (formerly Invitae), Labcorp
Classification: Uncertain significance. Last evaluated: 2022-10-31. Review status: criteria provided, single submitter. Criteria: Invitae Variant Classification Sherloc (09022015). Collection method: clinical testing. Allele origin: germline.
Comment: This sequence change replaces serine, which is neutral and polar, with alanine, which is neutral and non-polar, at codon 2829 of the PCLO protein (p.Ser2829Ala). This variant is not present in population databases (gnomAD no frequency). This variant has not been reported in the literature in individuals affected with PCLO-related conditions. ClinVar contains an entry for this variant (Variation ID: 1409004). Algorithms developed to predict the effect of missense changes on protein structure and function are either unavailable or do not agree on the potential impact of this missense change (SIFT: "Tolerated"; PolyPhen-2: "Not Available"; Align-GVGD: "Class C0"). In summary, the available evidence is currently insufficient to determine the role of this variant in disease. Therefore, it has been classified as a Variant of Uncertain Significance.

Ambry Genetics
Classification: Uncertain significance for Inborn genetic diseases. Last evaluated: 2022-02-11. Review status: criteria provided, single submitter. Criteria: Ambry Variant Classification Scheme 2023. Collection method: clinical testing. Allele origin: germline.

NM_033026.6(PCLO):c.8485T>G (p.Ser2829Ala)

Gene: PCLO (piccolo presynaptic cytomatrix protein; minus strand). Cytogenetic location: 7q21.11.
Variant type: single nucleotide variant.
Coding change: c.8485T>G on transcript NM_033026.6 (MANE Select); coding-DNA position 8485, T replaced by G.
Protein change: p.Ser2829Ala; replaces serine 2829 with alanine.
Molecular consequence: missense variant.
Genome position (GRCh38, 1-based): chr7:82,952,468, A>C on the plus strand (T>G on the coding strand, the complement: PCLO is on the minus strand). VCF-style: chr7-82952468-A-C. GRCh37 (hg19) VCF-style: chr7-82581784-A-C.
Other names: c.8485T>G, p.Ser2829Ala (NM_014510.3); c.8485T>G (NM_033026.5); short protein forms S2829A.
Identifiers: ClinVar variation 1409004 (VCV001409004.9), dbSNP rs1795379717, ClinGen allele CA367911056.